The following is an entry in ClinVar:

NM_002473.6(MYH9):c.3485+4T>C

Gene: MYH9 (myosin heavy chain 9; minus strand). Cytogenetic location: 22q12.3.
Variant type: single nucleotide variant.
Coding change: c.3485+4T>C on transcript NM_002473.6 (MANE Select); 4 bases into the intron after coding-DNA position 3485, T replaced by C.
Molecular consequence: intron variant.
Genome position (GRCh38, 1-based): chr22:36,295,501, A>G on the plus strand (T>C on the coding strand, the complement: MYH9 is on the minus strand). VCF-style: chr22-36295501-A-G. GRCh37 (hg19) VCF-style: chr22-36691547-A-G.
Identifiers: ClinVar variation 4805010 (VCV004805010.1).

ClinVar aggregate classification (germline): Uncertain significance (1 of 4 stars; one submission).

gnomAD v4.1: 11 of 1,611,724 alleles (0.00068%); highest among the groups gnomAD compares: Non-Finnish European, 0.00093%; no homozygotes.

Submission:

Labcorp Genetics (formerly Invitae), Labcorp
Classification: Uncertain significance. Last evaluated: 2026-01-11. Review status: criteria provided, single submitter. Criteria: Invitae Variant Classification Sherloc (09022015). Collection method: clinical testing. Allele origin: germline.
Comment: This sequence change falls in intron 26 of the MYH9 gene. It does not directly change the encoded amino acid sequence of the MYH9 protein. It affects a nucleotide within the consensus splice site. This variant is present in population databases (rs752545059, gnomAD 0.0008%). This variant has not been reported in the literature in individuals affected with MYH9-related conditions. Variants that disrupt the consensus splice site are a relatively common cause of aberrant splicing (PMID: 17576681, 9536098). Algorithms developed to predict the effect of sequence changes on RNA splicing suggest that this variant is not likely to affect RNA splicing. In summary, the available evidence is currently insufficient to determine the role of this variant in disease. Therefore, it has been classified as a Variant of Uncertain Significance.

Literature cited by the submitters: PubMed 17576681; PubMed 9536098.